The following is an entry in ClinVar:

ClinVar aggregate classification (germline): Likely benign (1 of 4 stars; one submission).

Allele frequency attached by ClinVar (database versions not stated): 1000 Genomes Project 30x 0.00094; 1000 Genomes Project 0.00100; gnomAD 0.00210; TOPMed 0.00212; ESP Exome Variant Server 0.00292; ExAC 0.00387.

Submission:

CeGaT Center for Human Genetics Tuebingen
Classification: Likely benign. Last evaluated: 2023-04-01. Review status: criteria provided, single submitter. Criteria: CeGaT Center For Human Genetics Tuebingen Variant Classification Criteria Version 2. Collection method: clinical testing. Allele origin: germline. Affected: yes. Observed: 1 variant allele.
Comment: MOGAT3: BP4, BP7

NM_178176.4(MOGAT3):c.810C>T (p.Arg270=)

Gene: MOGAT3 (monoacylglycerol O-acyltransferase 3; minus strand). Cytogenetic location: 7q22.1.
Variant type: single nucleotide variant.
Coding change: c.810C>T on transcript NM_178176.4 (MANE Select); coding-DNA position 810, C replaced by T.
Protein change: p.Arg270=; no amino-acid change (arginine 270 retained).
Molecular consequence: synonymous variant. On other transcripts: intron variant (1).
Genome position (GRCh38, 1-based): chr7:101,196,248, G>A on the plus strand (C>T on the coding strand, the complement: MOGAT3 is on the minus strand). VCF-style: chr7-101196248-G-A. GRCh37 (hg19) VCF-style: chr7-100839529-G-A.
Other names: c.669-148C>T (NM_001287147.2).
Identifiers: ClinVar variation 2657855 (VCV002657855.24), dbSNP rs111262172, ClinGen allele CA4406950.